The following is an entry in ClinVar:

ClinVar aggregate classification (germline): Uncertain significance. Review status: criteria provided, multiple submitters, no conflicts (2 of 4 stars). 4 submissions from 4 submitters: Uncertain significance (4). Last evaluated 2026-06-22.

Conditions:
COL6A2-related disorder.
Ullrich congenital muscular dystrophy 1A. Also called: Intermediate COL6-RD; Ullrich congenital muscular dystrophy 1. Identifiers: Orphanet 75840, MedGen C0410179, MONDO:0009681, OMIM 254090.
Bethlem myopathy 1A. Also called: MYOPATHY, BENIGN CONGENITAL, WITH CONTRACTURES; Bethlem Muscular Dystrophy; Bethlem myopathy 1. Identifiers: Orphanet 610, MedGen CN029274, MONDO:0024530, OMIM 158810.
Myosclerosis. Also called: MYOPATHY, MYOSCLEROTIC; MYOSCLEROSIS, CONGENITAL, OF LOWENTHAL; Myosclerosis, congenital. Identifiers: Orphanet 289380, MedGen C1850671, MONDO:0009714, OMIM 255600.

gnomAD v4.1: 9 of 1,612,292 alleles (0.00056%); highest among the groups gnomAD compares: African/African-American, 0.0013%; no homozygotes.

Submissions (4):

PreventionGenetics, part of Exact Sciences
Classification: Uncertain significance for COL6A2-related condition. Last evaluated: 2026-06-22. Review status: criteria provided, single submitter. Criteria: ACMG Guidelines, 2015. Collection method: clinical testing. Allele origin: germline.
Comment: The COL6A2 c.1070C>T variant is predicted to result in the amino acid substitution p.Pro357Leu. To our knowledge, this variant has not been reported in the literature or in a large population database (gnomAD), indicating this variant is rare. At this time, the clinical significance of this variant is uncertain due to the absence of conclusive functional and genetic evidence.

Labcorp Genetics (formerly Invitae), Labcorp
Classification: Uncertain significance for Bethlem myopathy 1A. Last evaluated: 2024-09-27. Review status: criteria provided, single submitter. Criteria: Invitae Variant Classification Sherloc (09022015). Collection method: clinical testing. Allele origin: germline.
Comment: This sequence change replaces proline, which is neutral and non-polar, with leucine, which is neutral and non-polar, at codon 357 of the COL6A2 protein (p.Pro357Leu). This variant is not present in population databases (gnomAD no frequency). This variant has not been reported in the literature in individuals affected with COL6A2-related conditions. ClinVar contains an entry for this variant (Variation ID: 844254). Invitae Evidence Modeling of protein sequence and biophysical properties (such as structural, functional, and spatial information, amino acid conservation, physicochemical variation, residue mobility, and thermodynamic stability) indicates that this missense variant is not expected to disrupt COL6A2 protein function with a negative predictive value of 80%. In summary, the available evidence is currently insufficient to determine the role of this variant in disease. Therefore, it has been classified as a Variant of Uncertain Significance.

Revvity Omics, Revvity
Classification: Uncertain significance. Last evaluated: 2023-09-06. Review status: criteria provided, single submitter. Criteria: ACMG Guidelines, 2015. Collection method: clinical testing. Allele origin: germline.

Fulgent Genetics
Classification: Uncertain significance for Bethlem myopathy 1A; Ullrich congenital muscular dystrophy 1A; Myosclerosis. Last evaluated: 2021-09-14. Review status: criteria provided, single submitter. Criteria: ACMG Guidelines, 2015. Collection method: clinical testing. Allele origin: unknown.

NM_001849.4(COL6A2):c.1070C>T (p.Pro357Leu)

Gene: COL6A2 (collagen type VI alpha 2 chain; plus strand). Cytogenetic location: 21q22.3.
Variant type: single nucleotide variant.
Coding change: c.1070C>T on transcript NM_001849.4 (MANE Select); coding-DNA position 1070, C replaced by T.
Protein change: p.Pro357Leu; replaces proline 357 with leucine.
Molecular consequence: missense variant.
Genome position (GRCh38, 1-based): chr21:46,117,890, C>T. VCF-style: chr21-46117890-C-T. GRCh37 (hg19) VCF-style: chr21-47537804-C-T.
Other names: c.1070C>T, p.Pro357Leu (NM_058174.3, NM_058175.3); short protein forms P357L.
Identifiers: ClinVar variation 844254 (VCV000844254.13), dbSNP rs199929757, ClinGen allele CA410527509.
Genomic context (GRCh38, chr21:46,117,890, plus strand): 5'-CCCACCCGCCGTGTGCCGAGCTCCACCTCTCACTCCTCTCTCAGGGCCCCGACGGTTACC[C>T]GGGGGAAGCAGGGAGTCCAGGGGAGCGAGGAGACCAAGGCGGCAAGGTAAGTGGCCTTGT-3'
Protein context (NP_001840.3, residues 347-367): DPGNRGPDGY[Pro357Leu]GEAGSPGERG